The following is an entry in ClinVar:

ClinVar aggregate classification (germline): Conflicting classifications of pathogenicity. Review status: criteria provided, conflicting classifications (1 of 4 stars). 5 submissions from 5 submitters: Uncertain significance (4); Likely benign (1). Last evaluated 2025-10-03.

Conditions:
Autosomal dominant polycystic kidney disease. Identifiers: Orphanet 730, MedGen C0085413, MONDO:0004691.
Polycystic kidney disease, adult type (PKD1). Also called: Polycystic Kidney, Autosomal Dominant; POLYCYSTIC KIDNEY DISEASE, ADULT, TYPE I; POLYCYSTIC KIDNEY DISEASE 1 WITH OR WITHOUT POLYCYSTIC LIVER DISEASE; Polycystic Kidney Disease 1, Autosomal Dominant; Polycystic kidney disease 1; Polycystic kidney disease 1, severe. Identifiers: MedGen C3149841, MONDO:0008263, OMIM 173900.

Allele frequency attached by ClinVar (database versions not stated): TOPMed 0.00004; gnomAD exomes 0.00006; ExAC 0.00007; ESP Exome Variant Server 0.00012.
gnomAD v4.1: 97 of 1,610,546 alleles (0.006%); highest among the groups gnomAD compares: Middle Eastern, 0.022%; 1 homozygote.

Submissions (5):

Women's Health and Genetics/Laboratory Corporation of America, LabCorp
Classification: Uncertain significance. Last evaluated: 2025-10-03. Review status: criteria provided, single submitter. Criteria: LabCorp Variant Classification Summary - May 2015. Collection method: clinical testing. Allele origin: germline.
Comment: Variant summary: PKD1 c.9620C>T (p.Thr3207Met) results in a non-conservative amino acid change in the encoded protein sequence. Algorithms developed to predict the effect of missense changes on protein structure and function are either unavailable or do not agree on the potential impact of this missense change. The variant allele was found at a frequency of 5.2e-05 in 248270 control chromosomes, predominantly at a frequency of 9.9e-05 within the Non-Finnish European subpopulation in the gnomAD database. This frequency is not significantly higher than estimated for disease-causing variants in PKD1, allowing no conclusion about variant significance. c.9620C>T has been observed as a benign change in an unspecified individual(s) affected with Polycystic Kidney Disease 1 (Rossetti_2007). This report does not provide unequivocal conclusions about association of the variant with PKD1-related conditions. To our knowledge, no experimental evidence demonstrating an impact on protein function has been reported. The following publication has been ascertained in the context of this evaluation (PMID: 17582161). ClinVar contains an entry for this variant (Variation ID: 976802). Based on the evidence outlined above, the variant was classified as uncertain significance.

Blueprint Genetics
Classification: Uncertain significance. Last evaluated: 2024-07-11. Review status: criteria provided, single submitter. Criteria: ACMG Guidelines, 2015. Collection method: clinical testing. Allele origin: germline.

Department of Pathology and Laboratory Medicine, Sinai Health System
Classification: Uncertain significance for Polycystic kidney disease, adult type. Last evaluated: 2022-09-22. Review status: criteria provided, single submitter. Criteria: ACMG Guidelines, 2015. Collection method: clinical testing. Allele origin: germline. Affected: yes.

Molecular Genetics of Inherited Kidney Disorders Laboratory, Garvan Institute of Medical Research
Classification: Likely benign for Autosomal dominant polycystic kidney disease. Last evaluated: 2019-01-01. Review status: criteria provided, single submitter. Criteria: ACMG Guidelines, 2015. Collection method: research. Allele origin: germline. Affected: yes.

Juno Genomics, Hangzhou Juno Genomics, Inc
Classification: Uncertain significance for Polycystic kidney disease, adult type. Review status: criteria provided, single submitter. Criteria: ACMG Guidelines, 2015. Collection method: clinical testing. Allele origin: germline.
Comment: Absent from controls (or at extremely low frequency if recessive) in Genome Aggregation Database.;Multiple lines of computational evidence suggest no impact on gene or gene product.

Literature cited by the submitters: PubMed 17582161 (cited by Women's Health and Genetics/Laboratory Corporation of America, LabCorp and Department of Pathology and Laboratory Medicine, Sinai Health System).

NM_001009944.3(PKD1):c.9620C>T (p.Thr3207Met)

Gene: PKD1 (polycystin 1, transient receptor potential channel interacting; minus strand). Cytogenetic location: 16p13.3.
Variant type: single nucleotide variant.
Coding change: c.9620C>T on transcript NM_001009944.3 (MANE Select); coding-DNA position 9620, C replaced by T.
Protein change: p.Thr3207Met; replaces threonine 3207 with methionine.
Molecular consequence: missense variant.
Genome position (GRCh38, 1-based): chr16:2,100,258, G>A on the plus strand (C>T on the coding strand, the complement: PKD1 is on the minus strand). VCF-style: chr16-2100258-G-A. GRCh37 (hg19) VCF-style: chr16-2150259-G-A.
Other names: c.9620C>T, p.Thr3207Met (NM_000296.4); short protein forms T3207M.
Identifiers: ClinVar variation 976802 (VCV000976802.7), dbSNP rs200214266, ClinGen allele CA7829997.